The following is an entry in ClinVar:

ClinVar aggregate classification (germline): Likely pathogenic (1 of 4 stars; one submission).

Submission:

Labcorp Genetics (formerly Invitae), Labcorp
Classification: Likely pathogenic. Last evaluated: 2024-06-22. Review status: criteria provided, single submitter. Criteria: Invitae Variant Classification Sherloc (09022015). Collection method: clinical testing. Allele origin: germline.
Comment: This sequence change affects an acceptor splice site in intron 16 of the CAD gene. It is expected to disrupt RNA splicing. Variants that disrupt the donor or acceptor splice site typically lead to a loss of protein function (PMID: 16199547), and loss-of-function variants in CAD are known to be pathogenic (PMID: 28007989, 32117025, 32820246, 33497533). This variant is not present in population databases (gnomAD no frequency). This variant has not been reported in the literature in individuals affected with CAD-related conditions. Algorithms developed to predict the effect of sequence changes on RNA splicing suggest that this variant may disrupt the consensus splice site. In summary, the currently available evidence indicates that the variant is pathogenic, but additional data are needed to prove that conclusively. Therefore, this variant has been classified as Likely Pathogenic.

Literature cited by the submitters: PubMed 16199547; PubMed 28007989; PubMed 32117025; PubMed 32820246; PubMed 33497533.

NM_004341.5(CAD):c.2401-1G>A

Genes: CAD (carbamoyl-phosphate synthetase 2, aspartate transcarbamylase, and dihydroorotase; plus strand), LOC126806171 (BRD4-independent group 4 enhancer GRCh37_chr2:27454350-27455549; plus strand). Cytogenetic location: 2p23.3.
Variant type: single nucleotide variant.
Coding change: c.2401-1G>A on transcript NM_004341.5 (MANE Select); the canonical splice acceptor site of the intron before coding-DNA position 2401, G replaced by A.
Molecular consequence: splice acceptor variant.
Genome position (GRCh38, 1-based): chr2:27,231,979, G>A. VCF-style: chr2-27231979-G-A. GRCh37 (hg19) VCF-style: chr2-27454847-G-A.
Other names: c.2212-1G>A (NM_001306079.2).
Identifiers: ClinVar variation 3657384 (VCV003657384.2).